The following is an entry in ClinVar:

ClinVar aggregate classification (germline): Uncertain significance (1 of 4 stars; one submission).

Allele frequency attached by ClinVar (database versions not stated): gnomAD exomes below 0.00001; TOPMed below 0.00001.
gnomAD v4.1: 1 of 1,614,104 alleles (0.000062%); highest among the groups gnomAD compares: Non-Finnish European, 0.000085%; no homozygotes.

Submission:

GeneDx
Classification: Uncertain significance. Last evaluated: 2019-08-09. Review status: criteria provided, single submitter. Criteria: GeneDx Variant Classification Process June 2021. Collection method: clinical testing. Allele origin: germline. Affected: yes.
Comment: Not observed in large population cohorts (Lek et al., 2016); In silico analysis, which includes protein predictors and evolutionary conservation, supports that this variant does not alter protein structure/function; Has not been previously published as pathogenic or benign to our knowledge

NM_001330288.2(SMARCC2):c.1148A>G (p.Gln383Arg)

Gene: SMARCC2 (SWI/SNF related BAF chromatin remodeling complex subunit C2; minus strand). Cytogenetic location: 12q13.2.
Variant type: single nucleotide variant.
Coding change: c.1148A>G on transcript NM_001330288.2 (MANE Select); coding-DNA position 1148, A replaced by G.
Protein change: p.Gln383Arg; replaces glutamine 383 with arginine.
Molecular consequence: missense variant.
Genome position (GRCh38, 1-based): chr12:56,178,841, T>C on the plus strand (A>G on the coding strand, the complement: SMARCC2 is on the minus strand). VCF-style: chr12-56178841-T-C. GRCh37 (hg19) VCF-style: chr12-56572625-T-C.
Other names: c.1148A>G, p.Gln383Arg (NM_001130420.3, NM_003075.5, NM_139067.4); short protein forms Q383R.
Identifiers: ClinVar variation 1219105 (VCV001219105.3), dbSNP rs1451514565, ClinGen allele CA385350110.